The following is an entry in ClinVar:

NC_000023.11:g.(?_31729621)_(31774202_?)del

Gene: DMD (dystrophin; minus strand). Cytogenetic location: Xp21.1.
Variant type: Deletion.
Identifiers: ClinVar variation 640999 (VCV000640999.2).

ClinVar aggregate classification (germline): Pathogenic (1 of 4 stars; one submission).

Conditions:
Duchenne muscular dystrophy (DMD). Also called: MUSCULAR DYSTROPHY, PSEUDOHYPERTROPHIC PROGRESSIVE, DUCHENNE TYPE; Duchenne Muscular Dystrophy (DMD). Identifiers: Orphanet 98896, MedGen C0013264, MONDO:0010679, OMIM 310200.

Submission:

Labcorp Genetics (formerly Invitae), Labcorp
Classification: Pathogenic for Duchenne muscular dystrophy. Last evaluated: 2019-11-13. Review status: criteria provided, single submitter. Criteria: Invitae Variant Classification Sherloc (09022015). Collection method: clinical testing. Allele origin: germline.
Comment: This variant is an in-frame deletion of the genomic region encompassing exons 51-52 of the DMD gene. It preserves the integrity of the reading frame. This variant has been reported in several individuals affected with Duchenne muscular dystrophy (PMID: 10480348, 17259292, 23914114). For these reasons, this variant has been classified as Pathogenic.

Literature cited by the submitters: PubMed 10480348; PubMed 17259292; PubMed 23914114.